The following is an entry in ClinVar:

NM_020884.7(MYH7B):c.976A>G (p.Met326Val)

Gene: MYH7B (myosin heavy chain 7B; plus strand). Cytogenetic location: 20q11.22.
Variant type: single nucleotide variant.
Coding change: c.976A>G on transcript NM_020884.7 (MANE Select); coding-DNA position 976, A replaced by G.
Protein change: p.Met326Val; replaces methionine 326 with valine.
Molecular consequence: missense variant.
Genome position (GRCh38, 1-based): chr20:34,986,957, A>G. VCF-style: chr20-34986957-A-G. GRCh37 (hg19) VCF-style: chr20-33574760-A-G.
Other names: short protein forms M326V.
Identifiers: ClinVar variation 1376929 (VCV001376929.6), dbSNP rs757452082, ClinGen allele CA313470696.

ClinVar aggregate classification (germline): Uncertain significance (1 of 4 stars; one submission).

Allele frequency attached by ClinVar (database versions not stated): gnomAD 0.00001; gnomAD exomes 0.00001; TOPMed 0.00001.
gnomAD v4.1: 11 of 1,613,928 alleles (0.00068%); highest among the groups gnomAD compares: Non-Finnish European, 0.00085%; no homozygotes.

Submission:

Labcorp Genetics (formerly Invitae), Labcorp
Classification: Uncertain significance. Last evaluated: 2021-11-17. Review status: criteria provided, single submitter. Criteria: Invitae Variant Classification Sherloc (09022015). Collection method: clinical testing. Allele origin: germline.
Comment: In summary, the available evidence is currently insufficient to determine the role of this variant in disease. Therefore, it has been classified as a Variant of Uncertain Significance. Algorithms developed to predict the effect of missense changes on protein structure and function (SIFT, PolyPhen-2, Align-GVGD) all suggest that this variant is likely to be tolerated. This variant has not been reported in the literature in individuals affected with MYH7B-related conditions. This variant is present in population databases (rs757452082, gnomAD 0.002%). This sequence change replaces methionine, which is neutral and non-polar, with valine, which is neutral and non-polar, at codon 368 of the MYH7B protein (p.Met368Val).